The following is an entry in ClinVar:

NM_001356.5(DDX3X):c.1021T>G (p.Cys341Gly)

Gene: DDX3X (DEAD-box helicase 3 X-linked; plus strand). Cytogenetic location: Xp11.4.
Variant type: single nucleotide variant.
Coding change: c.1021T>G on transcript NM_001356.5 (MANE Select); coding-DNA position 1021, T replaced by G.
Protein change: p.Cys341Gly; replaces cysteine 341 with glycine.
Molecular consequence: missense variant. On other transcripts: non-coding transcript variant (1).
Genome position (GRCh38, 1-based): chrX:41,344,395, T>G. VCF-style: chrX-41344395-T-G. GRCh37 (hg19) VCF-style: chrX-41203648-T-G.
Other names: c.1021T>G, p.Cys341Gly (NM_001193416.3); c.973T>G, p.Cys325Gly (NM_001193417.3); c.463T>G, p.Cys155Gly (NM_001363819.1); short protein forms C155G, C325G, C341G.
Identifiers: ClinVar variation 5018746 (VCV005018746.1).

ClinVar aggregate classification (germline): Uncertain significance (1 of 4 stars; one submission).

Conditions:
Intellectual disability, X-linked 102 (MRXSSB). Also called: Intellectual developmental disorder, X-linked syndromic, Snijders Blok type. Identifiers: Orphanet 457260, MedGen C5393299, MONDO:0010497, OMIM 300958.

Submission:

Juno Genomics, Hangzhou Juno Genomics, Inc
Classification: Uncertain significance for Intellectual disability, X-linked 102. Review status: criteria provided, single submitter. Criteria: ACMG Guidelines, 2015. Collection method: clinical testing. Allele origin: germline. Affected: yes.
Comment: Absent from controls (or at extremely low frequency if recessive) in Genome Aggregation Database.;Multiple lines of computational evidence support a deleterious effect on the gene or gene product.;Patient's phenotype or family history is highly specific for a disease with a single genetic etiology.